The following is an entry in ClinVar:

ClinVar aggregate classification (germline): Uncertain significance (1 of 4 stars; one submission).

Conditions:
Familial cancer of breast. Also called: hereditary breast carcinoma; Hereditary breast cancer; BREAST CANCER, FAMILIAL. Identifiers: Orphanet 227535, MedGen C0346153, MONDO:0016419, OMIM 114480. Disease mechanism: loss of function.

Submission:

Labcorp Genetics (formerly Invitae), Labcorp
Classification: Uncertain significance for Familial cancer of breast. Last evaluated: 2020-07-08. Review status: criteria provided, single submitter. Criteria: Invitae Variant Classification Sherloc (09022015). Collection method: clinical testing. Allele origin: germline.
Comment: Algorithms developed to predict the effect of sequence changes on RNA splicing suggest that this variant may create or strengthen a splice site, but this prediction has not been confirmed by published transcriptional studies. In summary, the available evidence is currently insufficient to determine the role of this variant in disease. Therefore, it has been classified as a Variant of Uncertain Significance. Algorithms developed to predict the effect of missense changes on protein structure and function are either unavailable or do not agree on the potential impact of this missense change (SIFT: "Deleterious"; PolyPhen-2: "Probably Damaging"; Align-GVGD: "Class C15"). This variant has not been reported in the literature in individuals with BARD1-related conditions. This variant is not present in population databases (ExAC no frequency). This sequence change replaces histidine with glutamine at codon 466 of the BARD1 protein (p.His466Gln). The histidine residue is highly conserved and there is a small physicochemical difference between histidine and glutamine.

NM_000465.4(BARD1):c.1398T>G (p.His466Gln)

Gene: BARD1 (BRCA1 associated RING domain 1; minus strand). Cytogenetic location: 2q35.
Variant type: single nucleotide variant.
Coding change: c.1398T>G on transcript NM_000465.4 (MANE Select); coding-DNA position 1398, T replaced by G.
Protein change: p.His466Gln; replaces histidine 466 with glutamine.
Molecular consequence: missense variant. On other transcripts: non-coding transcript variant (3), intron variant (3).
Genome position (GRCh38, 1-based): chr2:214,767,652, A>C on the plus strand (T>G on the coding strand, the complement: BARD1 is on the minus strand). VCF-style: chr2-214767652-A-C. GRCh37 (hg19) VCF-style: chr2-215632376-A-C.
Other names: c.1341T>G, p.His447Gln (NM_001282543.2); c.159-15097T>G (NM_001282548.2); c.216-15097T>G (NM_001282545.2); c.364+24645T>G (NM_001282549.2); short protein forms H466Q, H447Q.
Identifiers: ClinVar variation 1041492 (VCV001041492.9), dbSNP rs1694278620, ClinGen allele CA350448924.